The following is an entry in ClinVar:

NM_007294.4(BRCA1):c.905C>A (p.Ala302Asp)

Gene: BRCA1 (BRCA1 DNA repair associated; minus strand). Cytogenetic location: 17q21.31.
Variant type: single nucleotide variant.
Coding change: c.905C>A on transcript NM_007294.4 (MANE Select); coding-DNA position 905, C replaced by A.
Protein change: p.Ala302Asp; replaces alanine 302 with aspartic acid.
Molecular consequence: missense variant. On other transcripts: intron variant (137).
Genome position (GRCh38, 1-based): chr17:43,094,626, G>T on the plus strand (C>A on the coding strand, the complement: BRCA1 is on the minus strand). VCF-style: chr17-43094626-G-T. GRCh37 (hg19) VCF-style: chr17-41246643-G-T.
Other names: c.896C>A, p.Ala299Asp (NM_001407646.1, NM_001407647.1); c.782C>A, p.Ala261Asp (NM_001407648.1, NM_001407666.1, NM_001407667.1 and 19 more transcripts); c.779C>A, p.Ala260Asp (NM_001407649.1, NM_001407670.1, NM_001407671.1 and 11 more transcripts); c.905C>A, p.Ala302Asp (NM_001407652.1, NM_001407581.1, NM_001407582.1 and 30 more transcripts); c.827C>A, p.Ala276Asp (NM_001407653.1, NM_001407654.1, NM_001407655.1 and 4 more transcripts); c.824C>A, p.Ala275Asp (NM_001407659.1, NM_001407660.1, NM_001407661.1 and 1 more transcripts); c.692C>A, p.Ala231Asp (NM_001407571.1, NM_001407853.1, NM_001407894.1 and 9 more transcripts); c.902C>A, p.Ala301Asp (NM_001407587.1, NM_001407590.1, NM_001407591.1 and 22 more transcripts); and 40 more; short protein forms A190D, A255D, A261D, A275D, A299D, A134D, A260D, A174D.
Identifiers: ClinVar variation 2134723 (VCV002134723.6), dbSNP rs1418676444, ClinGen allele CA10600265.

ClinVar aggregate classification (germline): Conflicting classifications of pathogenicity. Review status: criteria provided, conflicting classifications (1 of 4 stars). 2 submissions from 2 submitters: Uncertain significance (1); Likely benign (1). Last evaluated 2023-03-23.

Conditions:
Hereditary breast ovarian cancer syndrome. Also called: Hereditary breast and ovarian cancer; Hereditary breast and/or ovarian cancer syndrome; Hereditary breast and ovarian cancer syndrome (HBOC); Breast and ovarian cancer; Hereditary breast and ovarian cancer syndrome; BRCA1- and BRCA2-Associated Hereditary Breast and Ovarian Cancer. Identifiers: Orphanet 145, MedGen C0677776, MeSH D061325, MONDO:0003582. Disease mechanism: loss of function.
Hereditary cancer-predisposing syndrome. Also called: Hereditary neoplastic syndrome; Hereditary Cancer Syndrome; Tumor predisposition; Neoplastic Syndromes, Hereditary. Identifiers: Orphanet 140162, MedGen C0027672, MeSH D009386, MONDO:0015356.

Submissions (2):

University of Washington Department of Laboratory Medicine, University of Washington
Classification: Likely benign for Hereditary cancer-predisposing syndrome. Last evaluated: 2023-03-23. Review status: criteria provided, single submitter. Criteria: Dines et al. (Genet Med. 2020). Collection method: curation. Allele origin: germline.
Comment: Missense variant in a coldspot region where missense variants are very unlikely to be pathogenic (PMID:31911673).

BRCA1 coldspot (exon 11 using historical exon numbering). Reclassification based on statistical prior probability

Labcorp Genetics (formerly Invitae), Labcorp
Classification: Uncertain significance for Hereditary breast ovarian cancer syndrome. Last evaluated: 2022-05-06. Review status: criteria provided, single submitter. Criteria: Invitae Variant Classification Sherloc (09022015). Collection method: clinical testing. Allele origin: germline.
Comment: This variant has not been reported in the literature in individuals affected with BRCA1-related conditions. In summary, the available evidence is currently insufficient to determine the role of this variant in disease. Therefore, it has been classified as a Variant of Uncertain Significance. Advanced modeling of protein sequence and biophysical properties (such as structural, functional, and spatial information, amino acid conservation, physicochemical variation, residue mobility, and thermodynamic stability) performed at Invitae indicates that this missense variant is not expected to disrupt BRCA1 protein function. This variant is not present in population databases (gnomAD no frequency). This sequence change replaces alanine, which is neutral and non-polar, with aspartic acid, which is acidic and polar, at codon 302 of the BRCA1 protein (p.Ala302Asp).